The following is an entry in ClinVar:

NM_000465.4(BARD1):c.1097C>T (p.Pro366Leu)

Gene: BARD1 (BRCA1 associated RING domain 1; minus strand). Cytogenetic location: 2q35.
Variant type: single nucleotide variant.
Coding change: c.1097C>T on transcript NM_000465.4 (MANE Select); coding-DNA position 1097, C replaced by T.
Protein change: p.Pro366Leu; replaces proline 366 with leucine.
Molecular consequence: missense variant. On other transcripts: non-coding transcript variant (2), intron variant (3).
Genome position (GRCh38, 1-based): chr2:214,780,777, G>A on the plus strand (C>T on the coding strand, the complement: BARD1 is on the minus strand). VCF-style: chr2-214780777-G-A. GRCh37 (hg19) VCF-style: chr2-215645501-G-A.
Other names: c.1040C>T, p.Pro347Leu (NM_001282543.2); c.159-28222C>T (NM_001282548.2); c.215+16284C>T (NM_001282545.2); c.364+11520C>T (NM_001282549.2); short protein forms P366L, P347L.
Identifiers: ClinVar variation 481380 (VCV000481380.19), dbSNP rs1553622247, ClinGen allele CA350454063.

ClinVar aggregate classification (germline): Uncertain significance. Review status: criteria provided, multiple submitters, no conflicts (2 of 4 stars). 4 submissions from 4 submitters: Uncertain significance (4). Last evaluated 2025-11-09.

Conditions:
Hereditary cancer-predisposing syndrome. Also called: Hereditary Cancer Syndrome; Neoplastic Syndromes, Hereditary; Tumor predisposition; Hereditary neoplastic syndrome. Identifiers: Orphanet 140162, MedGen C0027672, MeSH D009386, MONDO:0015356.
Familial cancer of breast. Also called: BREAST CANCER, FAMILIAL; Hereditary breast cancer; hereditary breast carcinoma. Identifiers: Orphanet 227535, MedGen C0346153, MONDO:0016419, OMIM 114480. Disease mechanism: loss of function.

Allele frequency attached by ClinVar (database versions not stated): gnomAD exomes below 0.00001; gnomAD 0.00001.
gnomAD v4.1: 6 of 1,613,578 alleles (0.00037%); highest among the groups gnomAD compares: Non-Finnish European, 0.00051%; no homozygotes.

Submissions (4):

Labcorp Genetics (formerly Invitae), Labcorp
Classification: Uncertain significance for Familial cancer of breast. Last evaluated: 2025-11-09. Review status: criteria provided, single submitter. Criteria: Invitae Variant Classification Sherloc (09022015). Collection method: clinical testing. Allele origin: germline.
Comment: This sequence change replaces proline, which is neutral and non-polar, with leucine, which is neutral and non-polar, at codon 366 of the BARD1 protein (p.Pro366Leu). This variant is not present in population databases (gnomAD no frequency). This variant has not been reported in the literature in individuals affected with BARD1-related conditions. ClinVar contains an entry for this variant (Variation ID: 481380). An algorithm developed to predict the effect of missense changes on protein structure and function outputs the following: PolyPhen-2: "Possibly Damaging". The leucine amino acid residue is found in multiple mammalian species, which suggests that this missense change does not adversely affect protein function. In summary, the available evidence is currently insufficient to determine the role of this variant in disease. Therefore, it has been classified as a Variant of Uncertain Significance.

Ambry Genetics
Classification: Uncertain significance for Hereditary cancer-predisposing syndrome. Last evaluated: 2025-07-01. Review status: criteria provided, single submitter. Criteria: Ambry Variant Classification Scheme 2023. Collection method: clinical testing. Allele origin: germline.
Comment: The p.P366L variant (also known as c.1097C>T), located in coding exon 4 of the BARD1 gene, results from a C to T substitution at nucleotide position 1097. The proline at codon 366 is replaced by leucine, an amino acid with similar properties. This amino acid position is not well conserved in available vertebrate species. In addition, this alteration is predicted to be tolerated by in silico analysis. Since supporting evidence is limited at this time, the clinical significance of this alteration remains unclear.

Quest Diagnostics Nichols Institute San Juan Capistrano
Classification: Uncertain significance. Last evaluated: 2025-01-15. Review status: criteria provided, single submitter. Criteria: Quest Diagnostics criteria. Collection method: clinical testing. Allele origin: unknown.
Comment: The BARD1 c.1097C>T (p.Pro366Leu) variant has not been reported in individuals with BARD1-related conditions in the published literature. The frequency of this variant in the general population (Genome Aggregation Database) is uninformative in the assessment of its pathogenicity. Analysis of this variant using bioinformatics tools for the prediction of the effect of amino acid changes on protein structure and function yielded predictions that this variant is benign. Based on the available information, we are unable to determine the clinical significance of this variant.

Baylor Genetics
Classification: Uncertain significance for Familial cancer of breast. Last evaluated: 2023-12-26. Review status: criteria provided, single submitter. Criteria: ACMG Guidelines, 2015. Collection method: clinical testing. Allele origin: unknown.